The following is an entry in ClinVar:

NM_000393.5(COL5A2):c.1770+2T>C

Gene: COL5A2 (collagen type V alpha 2 chain; minus strand). Cytogenetic location: 2q32.2.
Variant type: single nucleotide variant.
Coding change: c.1770+2T>C on transcript NM_000393.5 (MANE Select); the canonical splice donor site of the intron after coding-DNA position 1770, T replaced by C.
Molecular consequence: splice donor variant.
Genome position (GRCh38, 1-based): chr2:189,063,978, A>G on the plus strand (T>C on the coding strand, the complement: COL5A2 is on the minus strand). VCF-style: chr2-189063978-A-G. GRCh37 (hg19) VCF-style: chr2-189928704-A-G.
Identifiers: ClinVar variation 4765119 (VCV004765119.1).

ClinVar aggregate classification (germline): Likely pathogenic (1 of 4 stars; one submission).

Conditions:
Ehlers-Danlos syndrome, classic type, 1 (EDSCL1). Also called: EHLERS-DANLOS SYNDROME, GRAVIS TYPE; EHLERS-DANLOS SYNDROME, SEVERE CLASSIC TYPE; Ehlers-Danlos syndrome, type 1; Ehlers-Danlos Syndrome, Classic Type, COL5A1-Related; EDS I. Identifiers: MedGen C0268335, MONDO:0019567, OMIM 130000.

Submission:

Labcorp Genetics (formerly Invitae), Labcorp
Classification: Likely pathogenic for Ehlers-Danlos syndrome, classic type, 1. Last evaluated: 2025-11-13. Review status: criteria provided, single submitter. Criteria: Invitae Variant Classification Sherloc (09022015). Collection method: clinical testing. Allele origin: germline.
Comment: This sequence change affects a donor splice site in intron 26 of the COL5A2 gene. It is expected to disrupt RNA splicing. Variants that disrupt the donor or acceptor splice site typically lead to a loss of protein function (PMID: 16199547), and loss-of-function variants in COL5A2 are known to be pathogenic (PMID: 23587214). This variant is not present in population databases (gnomAD no frequency). This variant has not been reported in the literature in individuals affected with COL5A2-related conditions. Algorithms developed to predict the effect of sequence changes on RNA splicing suggest that this variant may disrupt the consensus splice site. In summary, the currently available evidence indicates that the variant is pathogenic, but additional data are needed to prove that conclusively. Therefore, this variant has been classified as Likely Pathogenic.

Literature cited by the submitters: PubMed 16199547; PubMed 23587214.